The following is an entry in ClinVar:

ClinVar aggregate classification (germline): Benign/Likely benign. Review status: criteria provided, multiple submitters, no conflicts (2 of 4 stars). 3 submissions from 3 submitters: Benign (1); Likely benign (1). 1 of the submissions does not count toward it. Last evaluated 2026-06-01.

Conditions:
PPP2R1A-related disorder.

Allele frequency attached by ClinVar (database versions not stated): gnomAD 0.00006 and 0.00015; TOPMed 0.00012; gnomAD exomes 0.00019 and 0.00050; 1000 Genomes Project 30x 0.00047; ExAC 0.00054.

Submissions (3):

CeGaT Center for Human Genetics Tuebingen
Classification: Benign. Last evaluated: 2026-06-01. Review status: criteria provided, single submitter. Criteria: CeGaT Center For Human Genetics Tuebingen Variant Classification Criteria Version 2. Collection method: clinical testing. Allele origin: germline. Affected: yes. Observed: 1 variant allele.
Comment: PPP2R1A: BP4, BS1, BS2

Labcorp Genetics (formerly Invitae), Labcorp
Classification: Likely benign. Last evaluated: 2026-02-03. Review status: criteria provided, single submitter. Criteria: Invitae Variant Classification Sherloc (09022015). Collection method: clinical testing. Allele origin: germline.

PreventionGenetics, part of Exact Sciences
Classification: Likely benign for PPP2R1A-related condition. Last evaluated: 2020-01-30. Review status: no assertion criteria provided. Collection method: clinical testing. Allele origin: germline. Not counted in ClinVar's aggregate classification.
Comment: This variant is classified as likely benign based on ACMG/AMP sequence variant interpretation guidelines (Richards et al. 2015 PMID: 25741868, with internal and published modifications).

NM_014225.6(PPP2R1A):c.807+4del

Gene: PPP2R1A (protein phosphatase 2 scaffold subunit Aalpha; plus strand). Cytogenetic location: 19q13.41.
Variant type: Deletion.
Coding change: c.807+4del on transcript NM_014225.6 (MANE Select); 4 bases into the intron after coding-DNA position 807, one base deleted (G; older notation c.807+4delG).
Molecular consequence: intron variant.
Genome position (GRCh38, 1-based): chr19:52,213,114, G deleted. VCF-style (leftmost placement, unchanged base first): chr19-52213113-AG-A. GRCh37 (hg19) VCF-style: chr19-52716366-AG-A.
Other names: c.807+4delG (NM_014225.5); c.270+4del (NM_001363656.2).
Identifiers: ClinVar variation 1596185 (VCV001596185.12), dbSNP rs757701838, ClinGen allele CA9621422.